The following is an entry in ClinVar:

ClinVar aggregate classification (germline): Likely benign. Review status: criteria provided, multiple submitters, no conflicts (2 of 4 stars). 3 submissions from 3 submitters: Likely benign (3). Last evaluated 2026-05-01.

Conditions:
Hereditary cancer-predisposing syndrome. Also called: Hereditary Cancer Syndrome; Neoplastic Syndromes, Hereditary; Hereditary neoplastic syndrome; Tumor predisposition. Identifiers: Orphanet 140162, MedGen C0027672, MeSH D009386, MONDO:0015356.
EGFR-related lung cancer (EGFR). Identifiers: MedGen CN130014.

Allele frequency attached by ClinVar (database versions not stated): gnomAD exomes below 0.00001.
gnomAD v4.1: 3 of 1,614,152 alleles (0.00019%); highest among the groups gnomAD compares: Non-Finnish European, 0.00025%; no homozygotes.

Submissions (3):

CeGaT Center for Human Genetics Tuebingen
Classification: Likely benign. Last evaluated: 2026-05-01. Review status: criteria provided, single submitter. Criteria: CeGaT Center For Human Genetics Tuebingen Variant Classification Criteria Version 2. Collection method: clinical testing. Allele origin: germline. Affected: yes. Observed: 1 variant allele.
Comment: EGFR: BP4, BP7

Labcorp Genetics (formerly Invitae), Labcorp
Classification: Likely benign for EGFR-related lung cancer. Last evaluated: 2025-06-29. Review status: criteria provided, single submitter. Criteria: Invitae Variant Classification Sherloc (09022015). Collection method: clinical testing. Allele origin: germline.

Ambry Genetics
Classification: Likely benign for Hereditary cancer-predisposing syndrome. Last evaluated: 2025-04-13. Review status: criteria provided, single submitter. Criteria: Ambry Variant Classification Scheme 2023. Collection method: clinical testing. Allele origin: germline.

NM_005228.5(EGFR):c.1014C>T (p.Asn338=)

Genes: EGFR (epidermal growth factor receptor; plus strand), LOC126860048 (P300/CBP strongly-dependent group 1 enhancer GRCh37_chr7:55223847-55225046; plus strand). Cytogenetic location: 7p11.2.
Variant type: single nucleotide variant.
Coding change: c.1014C>T on transcript NM_005228.5 (MANE Select); coding-DNA position 1014, C replaced by T.
Protein change: p.Asn338=; no amino-acid change (asparagine 338 retained).
Molecular consequence: synonymous variant.
Genome position (GRCh38, 1-based): chr7:55,156,540, C>T. VCF-style: chr7-55156540-C-T. GRCh37 (hg19) VCF-style: chr7-55224233-C-T.
Other names: c.879C>T, p.Asn293= (NM_001346897.2, NM_001346899.2); c.1014C>T, p.Asn338= (NM_001346898.2, NM_201282.2, NM_201283.2 and 1 more transcripts); c.855C>T, p.Asn285= (NM_001346900.2); c.213C>T, p.Asn71= (NM_001346941.2); c.1014C>T (NM_005228.3).
Identifiers: ClinVar variation 1620220 (VCV001620220.11), dbSNP rs1785427295, ClinGen allele CA454968458.